The following is an entry in ClinVar:

ClinVar aggregate classification (germline): Uncertain significance (1 of 4 stars; one submission).

Submission:

Labcorp Genetics (formerly Invitae), Labcorp
Classification: Uncertain significance. Last evaluated: 2024-01-11. Review status: criteria provided, single submitter. Criteria: Invitae Variant Classification Sherloc (09022015). Collection method: clinical testing. Allele origin: germline.
Comment: This sequence change replaces isoleucine, which is neutral and non-polar, with valine, which is neutral and non-polar, at codon 384 of the NTRK2 protein (p.Ile384Val). This variant is not present in population databases (gnomAD no frequency). This variant has not been reported in the literature in individuals affected with NTRK2-related conditions. Advanced modeling of protein sequence and biophysical properties (such as structural, functional, and spatial information, amino acid conservation, physicochemical variation, residue mobility, and thermodynamic stability) performed at Invitae indicates that this missense variant is not expected to disrupt NTRK2 protein function with a negative predictive value of 95%. In summary, the available evidence is currently insufficient to determine the role of this variant in disease. Therefore, it has been classified as a Variant of Uncertain Significance.

NM_006180.6(NTRK2):c.1150A>G (p.Ile384Val)

Gene: NTRK2 (neurotrophic receptor tyrosine kinase 2; plus strand). Cytogenetic location: 9q21.33.
Variant type: single nucleotide variant.
Coding change: c.1150A>G on transcript NM_006180.6 (MANE Select); coding-DNA position 1150, A replaced by G.
Protein change: p.Ile384Val; replaces isoleucine 384 with valine.
Molecular consequence: missense variant.
Genome position (GRCh38, 1-based): chr9:84,727,950, A>G. VCF-style: chr9-84727950-A-G. GRCh37 (hg19) VCF-style: chr9-87342865-A-G.
Other names: c.1150A>G, p.Ile384Val (NM_001369541.1, NM_001369542.1, NM_001369543.1 and 17 more transcripts); c.1111A>G, p.Ile371Val (NM_001369546.1, NM_001291937.2); c.682A>G, p.Ile228Val (NM_001369550.1, NM_001369535.1, NM_001369536.1 and 2 more transcripts); short protein forms I228V, I384V, I371V.
Identifiers: ClinVar variation 2753503 (VCV002753503.3), dbSNP rs2492241220, ClinGen allele CA374009355.